The following is an entry in ClinVar:

NM_000138.5(FBN1):c.3181del (p.Asp1062fs)

Gene: FBN1 (fibrillin 1; minus strand). Cytogenetic location: 15q21.1.
Variant type: Deletion.
Coding change: c.3181del on transcript NM_000138.5 (MANE Select); coding-DNA position 3181, one base deleted (C; older notation c.3181delC).
Protein change: p.Asp1062fs; shifts the reading frame from aspartic acid 1062.
Molecular consequence: frameshift variant.
Genome position (GRCh38, 1-based): chr15:48,488,395, G deleted on the plus strand (C on the coding strand, the reverse complement: FBN1 is on the minus strand). VCF-style (leftmost placement, unchanged base first): chr15-48488394-AG-A. GRCh37 (hg19) VCF-style: chr15-48780591-AG-A.
Other names: c.3181del, p.Asp1062fs (NM_001406716.1); short protein forms D1062fs.
Identifiers: ClinVar variation 2948238 (VCV002948238.3), dbSNP rs2505553444, ClinGen allele CA2740096645.
Genomic context (GRCh38, chr15:48,488,394, plus strand): 5'-CCCCTCTCCTGGCCCTTAAGGCTCATTAACTGACCTGTGCAGTTCCTTTCTTCAGAATCA[AG>A]AGCAAAGCCGCTGTCACACCTGCACTTAAAGCTGCCAATGGTGTTTCTGCACTTGCCGTG-3'

ClinVar aggregate classification (germline): Pathogenic (1 of 4 stars; one submission).

Conditions:
Marfan syndrome (MFS). Also called: MARFAN SYNDROME, TYPE I; Marfan syndrome type 1; Marfan's syndrome; Marfan syndrome, classic; FBN1-Related Marfan Syndrome. Identifiers: Orphanet 284963, Orphanet 558, MedGen C0024796, MONDO:0007947, OMIM 154700.
Familial thoracic aortic aneurysm and aortic dissection (TAAD). Also called: Thoracic aortic aneurysms and dissections. Identifiers: Orphanet 91387, MedGen C4707243, MONDO:0019625.

Submission:

Labcorp Genetics (formerly Invitae), Labcorp
Classification: Pathogenic for Marfan syndrome; Familial thoracic aortic aneurysm and aortic dissection. Last evaluated: 2023-05-26. Review status: criteria provided, single submitter. Criteria: Invitae Variant Classification Sherloc (09022015). Collection method: clinical testing. Allele origin: germline.
Comment: For these reasons, this variant has been classified as Pathogenic. This variant has not been reported in the literature in individuals affected with FBN1-related conditions. This variant is not present in population databases (gnomAD no frequency). This sequence change creates a premature translational stop signal (p.Asp1062Ilefs*26) in the FBN1 gene. It is expected to result in an absent or disrupted protein product. Loss-of-function variants in FBN1 are known to be pathogenic (PMID: 17657824, 19293843).

Literature cited by the submitters: PubMed 17657824; PubMed 19293843.